The following is an entry in ClinVar:

NM_000277.3(PAH):c.434A>T (p.Asp145Val)

Gene: PAH (phenylalanine hydroxylase; minus strand). Cytogenetic location: 12q23.2.
Variant type: single nucleotide variant.
Coding change: c.434A>T on transcript NM_000277.3 (MANE Select); coding-DNA position 434, A replaced by T.
Protein change: p.Asp145Val; replaces aspartic acid 145 with valine.
Molecular consequence: missense variant.
Genome position (GRCh38, 1-based): chr12:102,877,469, T>A on the plus strand (A>T on the coding strand, the complement: PAH is on the minus strand). VCF-style: chr12-102877469-T-A. GRCh37 (hg19) VCF-style: chr12-103271247-T-A.
Other names: NM_000277.2(PAH):c.434A>T; c.434A>T, p.Asp145Val (NM_001354304.2); c.434A>T (NM_000277.2); short protein forms D145V.
Identifiers: ClinVar variation 102667 (VCV000102667.35), dbSNP rs140175796, ClinGen allele CA229539.

ClinVar aggregate classification (germline): Likely pathogenic. Review status: reviewed by expert panel (3 of 4 stars). 13 submissions from 13 submitters: Likely pathogenic (1). 12 of the submissions do not count toward it. Last evaluated 2018-12-10.

Conditions:
PAH-related disorder. Also called: PAH-related condition.
Phenylketonuria (PKU). Also called: Phenylketonuria (PKU); FOLLING DISEASE; OLIGOPHRENIA PHENYLPYRUVICA; Phenylketonurias. Identifiers: Orphanet 716, MedGen C0031485, MONDO:0009861, OMIM 261600. Disease mechanism: loss of function.

Allele frequency attached by ClinVar (database versions not stated): gnomAD exomes 0.00009 and 0.00006; gnomAD 0.00008 and 0.00009; ExAC 0.00004; TOPMed 0.00008; ESP Exome Variant Server 0.00015.
gnomAD v4.1: 137 of 1,612,920 alleles (0.0085%); highest among the groups gnomAD compares: Non-Finnish European, 0.01%; no homozygotes.

Submissions (13):

ClinGen PAH Variant Curation Expert Panel
Classification: Likely pathogenic for Phenylketonuria. Last evaluated: 2018-12-10. Review status: reviewed by expert panel. Criteria: ClinGen PAH ACMG Specifications v1. Collection method: curation. Allele origin: germline. Inheritance: Autosomal recessive inheritance.
Comment: The c.434A>T (p.Asp145Val) PAH variant has been identified in patients with PAH deficiency from the US, Germany, Italy and Spain. BH4 deficiency was excluded. (PMID: 8659548; 11385716; 12655553; 17096675; 23514811) It was detected with known pathogenic variants: V388M (PMID: 8659548), I65T (PMID: 24368688), and R408W (PMID: 26666653). It is found at extremely low frequency (MAF 0.00012 in gnomAD). A deleterious effect is predicted in SIFT, Polyphen2, MutationTaster, and REVEL=0.987. In summary, this variant meets criteria to be classified as likely pathogenic for PAH. PAH-specific ACMG/AMP criteria applied: PM3_strong, PM2, PP4_Moderate, PP3

Dasa
Classification: Likely pathogenic. Last evaluated: 2026-01-13. Review status: criteria provided, single submitter. Criteria: DASA Assertion Criteria. Collection method: clinical testing. Allele origin: germline. Not counted in ClinVar's aggregate classification.
Comment: NM_000277.3(PAH):c.434A>T (p.Asp145Val) is a missense variant that results in the substitution of aspartic acid with valine. This variant has been recurrently observed in individuals with PAH-related disorders (PMID: 8659548; PMID: 11385716; PMID: 12655553; PMID: 17096675; PMID: 23514811). Also, this variant is rare in population databases. Computational evidence supports a deleterious effect. Based on the currently available evidence, this variant is classified as likely pathogenic.

Labcorp Genetics (formerly Invitae), Labcorp
Classification: Pathogenic for Phenylketonuria. Last evaluated: 2026-01-06. Review status: criteria provided, single submitter. Criteria: Invitae Variant Classification Sherloc (09022015). Collection method: clinical testing. Allele origin: germline. Not counted in ClinVar's aggregate classification.
Comment: This sequence change replaces aspartic acid, which is acidic and polar, with valine, which is neutral and non-polar, at codon 145 of the PAH protein (p.Asp145Val). This variant is present in population databases (rs140175796, gnomAD 0.01%). This missense change has been observed in individual(s) with phenylalanine levels >180 umol/L findings that are highly specific for hyperphenylalaninemia (PMID: 8659548, 26666653). ClinVar contains an entry for this variant (Variation ID: 102667). Invitae Evidence Modeling of protein sequence and biophysical properties (such as structural, functional, and spatial information, amino acid conservation, physicochemical variation, residue mobility, and thermodynamic stability) indicates that this missense variant is expected to disrupt PAH protein function with a positive predictive value of 80%. Experimental studies have shown that this missense change affects PAH function (PMID: 27121329). For these reasons, this variant has been classified as Pathogenic.

Natera, Inc.
Classification: Pathogenic for Phenylketonuria. Last evaluated: 2025-09-20. Review status: criteria provided, single submitter. Criteria: Natera Variant Classification Schema (03/2026). Collection method: clinical testing. Allele origin: germline. Not counted in ClinVar's aggregate classification.
Comment: The c.434A>T variant in PAH is a missense variant predicted to cause substitution of aspartic acid to valine at amino acid 145. This variant is rare in the general population with a frequency below the threshold expected for the associated phenotype(s). This variant has been observed in one or more individuals affected with the associated recessive disease, as either homozygous or compound heterozygous with a second variant (PMID: 24368688, 33465300, 26666653, 31623983). Computational prediction algorithms indicate this variant is likely to affect gene or protein function. Given the available evidence, this variant is classified as Pathogenic.

PreventionGenetics, part of Exact Sciences
Classification: Pathogenic for PAH-related condition. Last evaluated: 2025-07-22. Review status: criteria provided, single submitter. Criteria: ACMG Guidelines, 2015. Collection method: clinical testing. Allele origin: germline. Not counted in ClinVar's aggregate classification.
Comment: The PAH c.434A>T variant is predicted to result in the amino acid substitution p.Asp145Val. This variant has previously been reported, along with a second known pathogenic PAH variant, in patients with phenylalanine hydroxylase deficiency (for example, see Guldberg et al. 1996. PubMed ID: 8659548; Aulehla-Scholz and Heilbronner, 2003. PubMed ID: 12655553; Hillert et al. 2020. PubMed ID: 32668217). It has been reported that the p.Asp145Val amino acid substitution may result in a PAH protein that is somewhat responsive to tetrahydrobiopterin (BH4), although this has not been clearly established (Ho et al. 2014. PubMed ID: 24368688; Jeannesson-Thivisol et al. 2015. PubMed ID: 26666653). Several other laboratories classify this variant as pathogenic, and the ClinGen PAH Variant Curation Expert Panel classifies it as likely pathogenic (Zastrow et al. 2018. PubMed ID: 30311390). This variant is reported in 0.011% of alleles in individuals of Latino descent in gnomAD. In summary, the c.434A>T (p.Asp145Val) variant is interpreted as pathogenic.

GeneDx
Classification: Pathogenic. Last evaluated: 2025-05-22. Review status: criteria provided, single submitter. Criteria: GeneDx Variant Classification Process June 2021. Collection method: clinical testing. Allele origin: germline. Affected: yes. Not counted in ClinVar's aggregate classification.
Comment: Not observed at significant frequency in large population cohorts (gnomAD); In silico analysis supports that this missense variant has a deleterious effect on protein structure/function; This variant is associated with the following publications: (PMID: 26666653, 11180595, 24368688, 32778825, 10394930, 11678552, 10598814, 10527663, 31747680, 25087612, 27469133, 10429004, 17096675, 19786003, 11385716, 12655553, 14654663, 10541324, 31589614, 34405919, 23514811, 27121329, 33465300, 32668217, 8659548)

Blueprint Genetics
Classification: Pathogenic for PAH-related disorders. Last evaluated: 2024-05-22. Review status: criteria provided, single submitter. Criteria: ACMG Guidelines, 2015. Collection method: clinical testing. Allele origin: germline. Affected: yes. Observed: 5 variant alleles. Not counted in ClinVar's aggregate classification.

Women's Health and Genetics/Laboratory Corporation of America, LabCorp
Classification: Pathogenic for Phenylketonuria. Last evaluated: 2023-10-27. Review status: criteria provided, single submitter. Criteria: LabCorp Variant Classification Summary - May 2015. Collection method: clinical testing. Allele origin: germline. Not counted in ClinVar's aggregate classification.
Comment: Variant summary: PAH c.434A>T (p.Asp145Val) results in a non-conservative amino acid change located in the Aromatic amino acid hydroxylase, C-terminal of the encoded protein sequence. Five of five in-silico tools predict a damaging effect of the variant on protein function. The variant allele was found at a frequency of 6.4e-05 in 251484 control chromosomes. This frequency is not significantly higher than estimated for a pathogenic variant in PAH causing Phenylalanine Hydroxylase Deficiency (Phenylketonuria) (6.4e-05 vs 0.0079), allowing no conclusion about variant significance. c.434A>T has been reported in the literature in several affected individuals with biochemically confirmed mild form of HPA or PKU, and was predicted to be BH4-responsive allele. The following publications have been ascertained in the context of this evaluation (PMID: 25087612, 24368688, 8659548, 26666653, 17096675, 27121329, 10541324). Eight submitters have cited clinical-significance assessments for this variant to ClinVar after 2014. All submitters classified the variant as pathogenic/likely pathogenic. Based on the evidence outlined above, the variant was classified as pathogenic.

Mayo Clinic Laboratories, Mayo Clinic
Classification: Pathogenic. Last evaluated: 2021-10-08. Review status: criteria provided, single submitter. Criteria: ACMG Guidelines, 2015. Collection method: clinical testing. Allele origin: germline. Not counted in ClinVar's aggregate classification.
Comment: PP3, PP4_moderate, PM3_very_strong, PM5, PS3

Laboratorio de Genetica e Diagnostico Molecular, Hospital Israelita Albert Einstein
Classification: Likely pathogenic. Last evaluated: 2020-09-09. Review status: criteria provided, single submitter. Criteria: ACMG Guidelines, 2015. Collection method: clinical testing. Allele origin: germline. Affected: yes. Not counted in ClinVar's aggregate classification.
Comment: ACMG classification criteria: PS4, PM2, PM3, PP3, PP4

Illumina Laboratory Services, Illumina
Classification: Pathogenic for Phenylketonuria. Last evaluated: 2018-12-11. Review status: criteria provided, single submitter. Criteria: ICSL Variant Classification Criteria 09 May 2019. Collection method: clinical testing. Allele origin: germline. Not counted in ClinVar's aggregate classification.
Comment: The PAH c.434A>T (p.Asp145Val) missense variant has been reported in seven studies in which it is found in a total of seven individuals in a compound heterozygous state, and in one in a heterozygous state with no second variant detected (Guldberg et al. 1996, Mallolas et al. 1999, Yang et al. 2001, Aulehla-Scholz et al. 2003, Dahri et al. 2010, Ho et al. 2013, Jeannesson-Thivisol et al. 2015). Individuals with the p.Asp145Val variant were described as having mild hyperphenylalaninemia. The p.Asp145Val variant was absent from 620 healthy controls (Aulehla-Scholz et al. 2003, Ho et al. 2014) and is reported at a frequency of 0.00006 in the European (non-Finnish) population of the Exome Aggregation Consortium. Based on the evidence, the p.Asp145Val variant is classified as pathogenic for phenylalanine hydroxylase deficiency. This variant was observed by ICSL as part of a predisposition screen in an ostensibly healthy population.

Counsyl
Classification: Likely pathogenic for Phenylketonuria. Last evaluated: 2017-04-14. Review status: no assertion criteria provided. Collection method: clinical testing. Allele origin: unknown. Not counted in ClinVar's aggregate classification.

DeBelle Laboratory for Biochemical Genetics, MUHC/MCH RESEARCH INSTITUTE
No classification provided. Review status: no classification provided. Collection method: not provided. Allele origin: not provided. Not counted in ClinVar's aggregate classification.

Literature cited by the submitters: PubMed 24368688 (cited by 7 submitters); PubMed 8659548 (cited by 6 submitters); PubMed 11385716 (cited by 4 submitters); PubMed 26666653 (cited by 7 submitters); PubMed 23514811 (cited by 3 submitters); PubMed 17096675 (cited by 4 submitters); PubMed 12655553 (cited by 4 submitters); PubMed 27121329 (cited by 3 submitters); PubMed 33465300 (cited by Natera, Inc.); PubMed 31623983 (cited by Natera, Inc.); PubMed 25087612 (cited by Women's Health and Genetics/Laboratory Corporation of America, LabCorp); PubMed 10541324 (cited by Women's Health and Genetics/Laboratory Corporation of America, LabCorp and Counsyl); PubMed 10767174 (cited by Mayo Clinic Laboratories, Mayo Clinic); PubMed 11180595 (cited by Mayo Clinic Laboratories, Mayo Clinic and Counsyl); PubMed 12501224 (cited by Mayo Clinic Laboratories, Mayo Clinic); PubMed 19786003 (cited by Illumina Laboratory Services, Illumina and Counsyl); PubMed 10598814 (cited by Illumina Laboratory Services, Illumina and Counsyl); PubMed 17924342 (cited by Counsyl); PubMed 10527663 (cited by Counsyl); PubMed 11678552 (cited by Counsyl); PubMed 10394930 (cited by Counsyl).